The following is an entry in ClinVar:

NM_005327.7(HADH):c.349G>T (p.Val117Leu)

Gene: HADH (hydroxyacyl-CoA dehydrogenase; plus strand). Cytogenetic location: 4q25.
Variant type: single nucleotide variant.
Coding change: c.349G>T on transcript NM_005327.7 (MANE Select); coding-DNA position 349, G replaced by T.
Protein change: p.Val117Leu; replaces valine 117 with leucine.
Molecular consequence: missense variant.
Genome position (GRCh38, 1-based): chr4:108,014,518, G>T. VCF-style: chr4-108014518-G-T. GRCh37 (hg19) VCF-style: chr4-108935674-G-T.
Other names: c.349G>T, p.Val117Leu (NM_001184705.4); c.361G>T, p.Val121Leu (NM_001331027.2); short protein forms V117L, V121L.
Identifiers: ClinVar variation 402187 (VCV000402187.2), dbSNP rs146732064, ClinGen allele CA16609507.

ClinVar aggregate classification (germline): Conflicting classifications of pathogenicity. Review status: criteria provided, conflicting classifications (1 of 4 stars). 2 submissions from 2 submitters: Likely pathogenic (1); Uncertain significance (1). Last evaluated 2025-06-30.

Conditions:
Abnormal brain morphology. Also called: Abnormality of brain morphology. Identifiers: MedGen C4021085, HP:0012443.

Submissions (2):

Women's Health and Genetics/Laboratory Corporation of America, LabCorp
Classification: Uncertain significance. Last evaluated: 2025-06-30. Review status: criteria provided, single submitter. Criteria: LabCorp Variant Classification Summary - May 2015. Collection method: clinical testing. Allele origin: germline.
Comment: Variant summary: HADH c.349G>T (p.Val117Leu) results in a conservative amino acid change in the encoded protein sequence. Algorithms developed to predict the effect of missense changes on protein structure and function are either unavailable or do not agree on the potential impact of this missense change. The variant was absent in 251492 control chromosomes (gnomAD). The available data on variant occurrences in the general population are insufficient to allow any conclusion about variant significance. c.349G>T has not been observed in individual(s) affected with Familial Hyperinsulinism. To our knowledge, no experimental evidence demonstrating an impact on protein function has been reported. The following publication has been ascertained in the context of this evaluation (PMID: 26539891). ClinVar contains an entry for this variant (Variation ID: 402187). Based on the evidence outlined above, the variant was classified as uncertain significance.

Lupski Lab, Baylor-Hopkins CMG, Baylor College of Medicine
Classification: Likely pathogenic for Abnormal brain morphology. Review status: criteria provided, single submitter. Criteria: Karaca et al. (Neuron 2015). Collection method: research. Allele origin: inherited. Inheritance: Autosomal recessive inheritance. Affected: yes.

Literature cited by the submitters: PubMed 26539891 (cited by Women's Health and Genetics/Laboratory Corporation of America, LabCorp).